The following is an entry in ClinVar:

NM_000089.4(COL1A2):c.2565+2T>A

Gene: COL1A2 (collagen type I alpha 2 chain; plus strand). Cytogenetic location: 7q21.3.
Variant type: single nucleotide variant.
Coding change: c.2565+2T>A on transcript NM_000089.4 (MANE Select); the canonical splice donor site of the intron after coding-DNA position 2565, T replaced by A.
Molecular consequence: splice donor variant.
Genome position (GRCh38, 1-based): chr7:94,423,120, T>A. VCF-style: chr7-94423120-T-A. GRCh37 (hg19) VCF-style: chr7-94052432-T-A.
Identifiers: ClinVar variation 1458736 (VCV001458736.8), dbSNP rs2115941689, ClinGen allele CA368224173.
Genomic context (GRCh38, chr7:94,423,120, plus strand): 5'-CAGTTGGTCCCCCTGGCTTCGCTGGTGAGAAGGGTCCCTCTGGAGAGGCTGGTACTGCTG[T>A]AAGTGATTTCCAACTCCTCTTTCTTAATACCTTATGCTGAATTAAAATAAAGCCCCTACA-3'

ClinVar aggregate classification (germline): Pathogenic (1 of 4 stars; one submission).

Conditions:
Ehlers-Danlos syndrome, classic type, 1 (EDSCL1). Also called: EHLERS-DANLOS SYNDROME, GRAVIS TYPE; EHLERS-DANLOS SYNDROME, SEVERE CLASSIC TYPE; Ehlers-Danlos syndrome, type 1; Ehlers-Danlos Syndrome, Classic Type, COL5A1-Related; EDS I. Identifiers: MedGen C0268335, MONDO:0019567, OMIM 130000.
Osteogenesis imperfecta type I (OI1). Also called: OI, TYPE I; OSTEOGENESIS IMPERFECTA TARDA; OSTEOGENESIS IMPERFECTA WITH BLUE SCLERAE; Osteogenesis imperfecta type 1; Lobstein's Disease; Lobstein disease. Identifiers: Orphanet 216796, Orphanet 666, MedGen C0023931, MONDO:0008146, OMIM 166200. Disease mechanism: loss of function.

Submission:

Labcorp Genetics (formerly Invitae), Labcorp
Classification: Pathogenic for Osteogenesis imperfecta type I; Ehlers-Danlos syndrome, classic type, 1. Last evaluated: 2021-05-18. Review status: criteria provided, single submitter. Criteria: Invitae Variant Classification Sherloc (09022015). Collection method: clinical testing. Allele origin: germline.
Comment: Disruption of this splice site has been observed in individual(s) with autosomal dominant osteogenesis imperfecta (PMID: 16705691, 26177859). For these reasons, this variant has been classified as Pathogenic. Algorithms developed to predict the effect of sequence changes on RNA splicing suggest that this variant may disrupt the consensus splice site, but this prediction has not been confirmed by published transcriptional studies. This variant is not present in population databases (ExAC no frequency). This sequence change affects a donor splice site in intron 40 of the COL1A2 gene. It is expected to disrupt RNA splicing. Variants that disrupt the donor or acceptor splice site typically lead to a loss of protein function (PMID: 16199547), and loss-of-function variants in COL1A2 are known to be pathogenic (PMID: 11288717, 15077201).

Literature cited by the submitters: PubMed 16705691; PubMed 26177859; PubMed 16199547; PubMed 11288717; PubMed 15077201.